The following is an entry in ClinVar:

ClinVar aggregate classification (germline): Uncertain significance (1 of 4 stars; one submission).

Allele frequency attached by ClinVar (database versions not stated): ExAC 0.00001.

Submission:

Institute for Clinical Genetics, University Hospital TU Dresden, University Hospital TU Dresden
Classification: Uncertain significance. Last evaluated: 2023-07-12. Review status: criteria provided, single submitter. Criteria: ACMG Guidelines, 2015. Collection method: clinical testing. Allele origin: paternal.
Comment: PM2_SUP

NM_017635.5(KMT5B):c.1712C>G (p.Pro571Arg)

Gene: KMT5B (lysine methyltransferase 5B; minus strand). Cytogenetic location: 11q13.2.
Variant type: single nucleotide variant.
Coding change: c.1712C>G on transcript NM_017635.5 (MANE Select); coding-DNA position 1712, C replaced by G.
Protein change: p.Pro571Arg; replaces proline 571 with arginine.
Molecular consequence: missense variant.
Genome position (GRCh38, 1-based): chr11:68,158,634, G>C on the plus strand (C>G on the coding strand, the complement: KMT5B is on the minus strand). VCF-style: chr11-68158634-G-C. GRCh37 (hg19) VCF-style: chr11-67926101-G-C.
Other names: c.1196C>G, p.Pro399Arg (NM_001300907.1, NM_001369428.1, NM_001369429.1 and 4 more transcripts); c.992C>G, p.Pro331Arg (NM_001300908.2); c.1712C>G, p.Pro571Arg (NM_001369426.1); short protein forms P331R, P399R, P571R.
Identifiers: ClinVar variation 2576171 (VCV002576171.1), dbSNP rs761514479, ClinGen allele CA6148134.
Genomic context (GRCh38, chr11:68,158,634, plus strand): 5'-GCCAGTTCTTCCTCCTGCAGCACAGGAGCTGGCTGCAGCTGTTCACCACTGTCGGGGCAA[G>C]GTTCCGTCACACTGCTTTTATAGCCATTCAACGTATTTGGTTCAAGCTTGATGTCAGAGG-3'
Protein context (NP_060105.3, residues 561-581): LNGYKSSVTE[Pro571Arg]CPDSGEQLQP